The following is an entry in ClinVar:

ClinVar aggregate classification (germline): Conflicting classifications of pathogenicity. Review status: criteria provided, conflicting classifications (1 of 4 stars). 6 submissions from 6 submitters: Pathogenic (3); Uncertain significance (3). Last evaluated 2026-06-24.

Conditions:
Joubert syndrome and related disorders. Identifiers: Orphanet 140874, MedGen C5679612, MONDO:0015369.
Rod-cone dystrophy. Identifiers: MedGen C4551714, HP:0000510.
Joubert syndrome. Also called: Familial aplasia of the vermis; JOUBERT-BOLTSHAUSER SYNDROME. Identifiers: Orphanet 475, MedGen C5979921, MONDO:0018772.

Allele frequency attached by ClinVar (database versions not stated): TOPMed 0.00001; ExAC 0.00003; gnomAD exomes 0.00003 and 0.00004.
gnomAD v4.1: 53 of 1,612,986 alleles (0.0033%); highest among the groups gnomAD compares: South Asian, 0.0055%; no homozygotes.

Submissions (6):

Women's Health and Genetics/Laboratory Corporation of America, LabCorp
Classification: Pathogenic for Joubert syndrome and related disorders. Last evaluated: 2026-06-24. Review status: criteria provided, single submitter. Criteria: LabCorp Variant Classification Summary - May 2015. Collection method: clinical testing. Allele origin: germline.
Comment: Variant summary: INPP5E c.1577C>T (p.Pro526Leu) results in a non-conservative amino acid change in the encoded protein sequence. Algorithms developed to predict the effect of missense changes on protein structure and function are either unavailable or do not agree on the potential impact of this missense change. The variant allele was found at a frequency of 2.8e-05 in 250256 control chromosomes. c.1577C>T has been observed in multiple compound heterozygous individual(s) affected with INPP5E-related conditions (Bachmann_2015, Sangermano_2021, internal_testing). These data indicate that the variant is likely to be associated with disease. To our knowledge, no experimental evidence demonstrating an impact on protein function has been reported. The following publications have been ascertained in the context of this evaluation (PMID: 26092869, 38219857, 34188062). ClinVar contains an entry for this variant (Variation ID: 217660). Based on the evidence outlined above, the variant was classified as pathogenic.

GeneDx
Classification: Uncertain significance. Last evaluated: 2025-06-03. Review status: criteria provided, single submitter. Criteria: GeneDx Variant Classification Process June 2021. Collection method: clinical testing. Allele origin: germline. Affected: yes.
Comment: Reported in patients with Joubert syndrome or rod cone degeneration, however it is unknown whether the variants occurred on the same (in cis) or on different (in trans) alleles in both cases (PMID: 26092869, 34188062); Not observed at significant frequency in large population cohorts (gnomAD); In silico analysis suggests that this missense variant does not alter protein structure/function; This variant is associated with the following publications: (PMID: 31589614, 34188062, 23386033, 38219857, 26092869, 31964843)

Labcorp Genetics (formerly Invitae), Labcorp
Classification: Pathogenic for Joubert syndrome. Last evaluated: 2025-05-24. Review status: criteria provided, single submitter. Criteria: Invitae Variant Classification Sherloc (09022015). Collection method: clinical testing. Allele origin: germline.
Comment: This sequence change replaces proline, which is neutral and non-polar, with leucine, which is neutral and non-polar, at codon 526 of the INPP5E protein (p.Pro526Leu). This variant is present in population databases (rs746867724, gnomAD 0.006%). This missense change has been observed in individual(s) with Joubert syndrome and/or retinitis pigmentosa (PMID: 26092869, 34188062; internal data). In at least one individual the data is consistent with being in trans (on the opposite chromosome) from a pathogenic variant. ClinVar contains an entry for this variant (Variation ID: 217660). Invitae Evidence Modeling of protein sequence and biophysical properties (such as structural, functional, and spatial information, amino acid conservation, physicochemical variation, residue mobility, and thermodynamic stability) has been performed for this missense variant. However, the output from this modeling did not meet the statistical confidence thresholds required to predict the impact of this variant on INPP5E protein function. For these reasons, this variant has been classified as Pathogenic.

Blueprint Genetics
Classification: Uncertain significance. Last evaluated: 2022-10-05. Review status: criteria provided, single submitter. Criteria: ACMG Guidelines, 2015. Collection method: clinical testing. Allele origin: germline.

Ocular Genomics Institute, Massachusetts Eye and Ear
Classification: Uncertain significance for Rod-cone dystrophy. Last evaluated: 2021-04-08. Review status: criteria provided, single submitter. Criteria: ACMG Guidelines, 2015. Collection method: research. Allele origin: germline. Affected: yes.
Comment: Through a review of available evidence we were able to apply the following criteria: PM1, PM2, PP3. Based on this evidence we have classified this variant as Variant of Uncertain Significance.

UW Hindbrain Malformation Research Program, University of Washington
Classification: Pathogenic for Joubert syndrome 1. Last evaluated: 2015-02-23. Review status: criteria provided, single submitter. Criteria: Bachmann-Gagescu et al. (J Med Genet. 2015). Collection method: research. Allele origin: unknown. Affected: yes.

Literature cited by the submitters: PubMed 26092869 (cited by Women's Health and Genetics/Laboratory Corporation of America, LabCorp and Labcorp Genetics (formerly Invitae), Labcorp); PubMed 34188062 (cited by Women's Health and Genetics/Laboratory Corporation of America, LabCorp and Labcorp Genetics (formerly Invitae), Labcorp); PubMed 38219857 (cited by Women's Health and Genetics/Laboratory Corporation of America, LabCorp).

NM_019892.6(INPP5E):c.1577C>T (p.Pro526Leu)

Gene: INPP5E (inositol polyphosphate-5-phosphatase E; minus strand). Cytogenetic location: 9q34.3.
Variant type: single nucleotide variant.
Coding change: c.1577C>T on transcript NM_019892.6 (MANE Select); coding-DNA position 1577, C replaced by T.
Protein change: p.Pro526Leu; replaces proline 526 with leucine.
Molecular consequence: missense variant.
Genome position (GRCh38, 1-based): chr9:136,431,090, G>A on the plus strand (C>T on the coding strand, the complement: INPP5E is on the minus strand). VCF-style: chr9-136431090-G-A. GRCh37 (hg19) VCF-style: chr9-139325542-G-A.
Other names: c.1574C>T, p.Pro525Leu (NM_001318502.2); short protein forms P526L, P525L.
Identifiers: ClinVar variation 217660 (VCV000217660.18), dbSNP rs746867724, ClinGen allele CA277743.